The following is an entry in ClinVar:

NM_001382567.1(STIM1):c.1741G>A (p.Ala581Thr)

Gene: STIM1 (stromal interaction molecule 1; plus strand). Cytogenetic location: 11p15.4.
Variant type: single nucleotide variant.
Coding change: c.1741G>A on transcript NM_001382567.1 (MANE Select); coding-DNA position 1741, G replaced by A.
Protein change: p.Ala581Thr; replaces alanine 581 with threonine.
Molecular consequence: missense variant. On other transcripts: 3 prime UTR variant (4), non-coding transcript variant (3).
Genome position (GRCh38, 1-based): chr11:4,091,388, G>A. VCF-style: chr11-4091388-G-A. GRCh37 (hg19) VCF-style: chr11-4112618-G-A.
Other names: c.1966G>A, p.Ala656Thr (NM_001277961.3); c.*62G>A (NM_001277962.2, NM_001382578.1, NM_001382579.1 and 1 more transcripts); c.1744G>A, p.Ala582Thr (NM_001382566.1); c.1669G>A, p.Ala557Thr (NM_001382568.1); c.1513G>A, p.Ala505Thr (NM_001382569.1); c.1420G>A, p.Ala474Thr (NM_001382570.1); c.1168G>A, p.Ala390Thr (NM_001382571.1); c.1426G>A, p.Ala476Thr (NM_001382575.1, NM_001382576.1, NM_001382577.1); and 2 more; short protein forms A387T, A390T, A474T, A476T, A505T, A550T, A557T, A581T.
Identifiers: ClinVar variation 3752198 (VCV003752198.2).
Genomic context (GRCh38, chr11:4,091,388, plus strand): 5'-CGCCAGCGTGTGGCCCCCAAACCTCCTCAGATGAGCCGTGCTGCAGACGAGGCTCTCAAT[G>A]CCATGACTTCCAATGGCAGCCACCGGCTGATCGAGGGGGTCCACCCAGGGTCTCTGGTGG-3'
Protein context (NP_001369496.1, residues 571-591): MSRAADEALN[Ala581Thr]MTSNGSHRLI

ClinVar aggregate classification (germline): Uncertain significance (1 of 4 stars; one submission).

Conditions:
Combined immunodeficiency due to STIM1 deficiency. Also called: IMMUNODEFICIENCY 10; STIM1 DEFICIENCY. Identifiers: Orphanet 169090, Orphanet 317430, MedGen C2748557, MONDO:0013008, OMIM 612783.
Myopathy with tubular aggregates (TAM). Also called: Tubular Aggregate Myopathy. Identifiers: Orphanet 2593, MedGen C0410207, MONDO:0008051.
Stormorken syndrome (STRMK). Also called: THROMBOCYTOPATHY, ASPLENIA, AND MIOSIS. Identifiers: Orphanet 3204, MedGen C1861451, MONDO:0008497, OMIM 185070.

gnomAD v4.1: 7 of 1,614,082 alleles (0.00043%); highest among the groups gnomAD compares: Non-Finnish European, 0.00059%; no homozygotes.

Submission:

Labcorp Genetics (formerly Invitae), Labcorp
Classification: Uncertain significance for Myopathy with tubular aggregates; Combined immunodeficiency due to STIM1 deficiency; Stormorken syndrome. Last evaluated: 2024-06-03. Review status: criteria provided, single submitter. Criteria: Invitae Variant Classification Sherloc (09022015). Collection method: clinical testing. Allele origin: germline.
Comment: This sequence change replaces alanine, which is neutral and non-polar, with threonine, which is neutral and polar, at codon 550 of the STIM1 protein (p.Ala550Thr). This variant is present in population databases (no rsID available, gnomAD 0.002%). This variant has not been reported in the literature in individuals affected with STIM1-related conditions. Algorithms developed to predict the effect of missense changes on protein structure and function output the following: SIFT: "Not Available"; PolyPhen-2: "Benign"; Align-GVGD: "Not Available". The threonine amino acid residue is found in multiple mammalian species, which suggests that this missense change does not adversely affect protein function. In summary, the available evidence is currently insufficient to determine the role of this variant in disease. Therefore, it has been classified as a Variant of Uncertain Significance.